The following is an entry in ClinVar:

ClinVar aggregate classification (germline): Uncertain significance (1 of 4 stars; one submission).

Conditions:
Neuronal ceroid lipofuscinosis 11. Also called: GRN-Related Neuronal Ceroid-Lipofuscinosis. Identifiers: Orphanet 314629, Orphanet 79262, MedGen C3539123, MONDO:0013866, OMIM 614706.
GRN-related frontotemporal lobar degeneration with Tdp43 inclusions (FTD2). Also called: GRN Frontotemporal Dementia; FRONTOTEMPORAL DEMENTIA WITH TDP43 INCLUSIONS, GRN-RELATED; DEMENTIA, HEREDITARY DYSPHASIC DISINHIBITION; FRONTOTEMPORAL LOBAR DEGENERATION WITH UBIQUITIN-POSITIVE INCLUSIONS; FTLD-TDP, GRN-RELATED. Identifiers: Orphanet 100070, Orphanet 282, MedGen C1843792, MONDO:0011842, OMIM 607485. Disease mechanism: loss of function.

Allele frequency attached by ClinVar (database versions not stated): gnomAD 0.00004 and 0.00005; TOPMed 0.00007; 1000 Genomes Project 30x 0.00016; ExAC 0.00017; gnomAD exomes 0.00022.
gnomAD v4.1: 70 of 1,613,458 alleles (0.0043%); highest among the groups gnomAD compares: Admixed American, 0.11%; no homozygotes.

Submission:

Labcorp Genetics (formerly Invitae), Labcorp
Classification: Uncertain significance for Neuronal ceroid lipofuscinosis 11; GRN-related frontotemporal lobar degeneration with Tdp43 inclusions. Last evaluated: 2025-12-05. Review status: criteria provided, single submitter. Criteria: Invitae Variant Classification Sherloc (09022015). Collection method: clinical testing. Allele origin: germline.
Comment: This sequence change replaces threonine, which is neutral and polar, with methionine, which is neutral and non-polar, at codon 382 of the GRN protein (p.Thr382Met). This variant is present in population databases (rs768333369, gnomAD 0.2%). This variant has not been reported in the literature in individuals affected with GRN-related conditions. ClinVar contains an entry for this variant (Variation ID: 1525789). Invitae Evidence Modeling of protein sequence and biophysical properties (such as structural, functional, and spatial information, amino acid conservation, physicochemical variation, residue mobility, and thermodynamic stability) indicates that this missense variant is not expected to disrupt GRN protein function with a negative predictive value of 80%. In summary, the available evidence is currently insufficient to determine the role of this variant in disease. Therefore, it has been classified as a Variant of Uncertain Significance.

NM_002087.4(GRN):c.1145C>T (p.Thr382Met)

Gene: GRN (granulin precursor; plus strand). Cytogenetic location: 17q21.31.
Variant type: single nucleotide variant.
Coding change: c.1145C>T on transcript NM_002087.4 (MANE Select); coding-DNA position 1145, C replaced by T.
Protein change: p.Thr382Met; replaces threonine 382 with methionine.
Molecular consequence: missense variant.
Genome position (GRCh38, 1-based): chr17:44,351,761, C>T. VCF-style: chr17-44351761-C-T. GRCh37 (hg19) VCF-style: chr17-42429129-C-T.
Other names: short protein forms T382M.
Identifiers: ClinVar variation 1525789 (VCV001525789.6), dbSNP rs768333369, ClinGen allele CA8602108.